The following is an entry in ClinVar:

ClinVar aggregate classification (germline): Uncertain significance (1 of 4 stars; one submission).

Submission:

GeneDx
Classification: Uncertain significance. Last evaluated: 2016-08-12. Review status: criteria provided, single submitter. Criteria: GeneDx Variant Classification (06012015). Collection method: clinical testing. Allele origin: germline. Affected: yes.
Comment: The H35R variant in the SOS1 gene has not been reported previously as a pathogenic variant, nor as a benign variant, to our knowledge. The H35R variant was not observed in approximately 6500 individuals of European and African American ancestry in the NHLBI Exome Sequencing Project, indicating it is not a common benign variant in these populations. The H35R variant is a conservative amino acid substitution, which is not likely to impact secondary protein structure as these residues share similar properties. However, this substitution occurs at a position that is conserved across species, and in silico analysis predicts this variant is probably damaging to the protein structure/function. We interpret H35R as a variant of uncertain significance

NM_005633.4(SOS1):c.104A>G (p.His35Arg)

Gene: SOS1 (SOS Ras/Rac guanine nucleotide exchange factor 1; minus strand). Cytogenetic location: 2p22.1.
Variant type: single nucleotide variant.
Coding change: c.104A>G on transcript NM_005633.4 (MANE Select); coding-DNA position 104, A replaced by G.
Protein change: p.His35Arg; replaces histidine 35 with arginine.
Molecular consequence: missense variant.
Genome position (GRCh38, 1-based): chr2:39,067,737, T>C on the plus strand (A>G on the coding strand, the complement: SOS1 is on the minus strand). VCF-style: chr2-39067737-T-C. GRCh37 (hg19) VCF-style: chr2-39294878-T-C.
Other names: c.83A>G, p.His28Arg (NM_001382394.1); c.104A>G, p.His35Arg (NM_001382395.1); short protein forms H35R, H28R.
Identifiers: ClinVar variation 280783 (VCV000280783.2), dbSNP rs886041928, ClinGen allele CA10602879.